The following is an entry in ClinVar:

NM_001126108.2(SLC12A3):c.1825+4C>T

Gene: SLC12A3 (solute carrier family 12 member 3; plus strand). Cytogenetic location: 16q13.
Variant type: single nucleotide variant.
Coding change: c.1825+4C>T on transcript NM_001126108.2 (MANE Select); 4 bases into the intron after coding-DNA position 1825, C replaced by T.
Molecular consequence: intron variant.
Genome position (GRCh38, 1-based): chr16:56,884,208, C>T. VCF-style: chr16-56884208-C-T. GRCh37 (hg19) VCF-style: chr16-56918120-C-T.
Other names: p.?; c.1825+4C>T (NM_000339.3); c.1822+4C>T (NM_001126107.2).
Identifiers: ClinVar variation 2201628 (VCV002201628.3), dbSNP rs375630796, ClinGen allele CA8069613.

ClinVar aggregate classification (germline): Conflicting classifications of pathogenicity. Review status: criteria provided, conflicting classifications (1 of 4 stars). 3 submissions from 3 submitters: Uncertain significance (1); Likely benign (2). Last evaluated 2025-12-13.

Allele frequency attached by ClinVar (database versions not stated): gnomAD exomes 0.00002; ExAC 0.00003; TOPMed 0.00004; gnomAD 0.00005; ESP Exome Variant Server 0.00015.
gnomAD v4.1: 43 of 1,613,962 alleles (0.0027%); highest among the groups gnomAD compares: African/African-American, 0.0067%; no homozygotes.

Submissions (3):

Mayo Clinic Laboratories, Mayo Clinic
Classification: Likely benign. Last evaluated: 2025-12-13. Review status: criteria provided, single submitter. Criteria: ACMG Guidelines, 2015. Collection method: clinical testing. Allele origin: germline. Observed: 1 variant allele.
Comment: BP4, BP7

Blueprint Genetics
Classification: Likely benign. Last evaluated: 2023-02-08. Review status: criteria provided, single submitter. Criteria: ACMG Guidelines, 2015. Collection method: clinical testing. Allele origin: germline.

Labcorp Genetics (formerly Invitae), Labcorp
Classification: Uncertain significance. Last evaluated: 2022-07-21. Review status: criteria provided, single submitter. Criteria: Invitae Variant Classification Sherloc (09022015). Collection method: clinical testing. Allele origin: germline.
Comment: This sequence change falls in intron 14 of the SLC12A3 gene. It does not directly change the encoded amino acid sequence of the SLC12A3 protein. It affects a nucleotide within the consensus splice site. This variant is present in population databases (rs375630796, gnomAD 0.05%). This variant has not been reported in the literature in individuals affected with SLC12A3-related conditions. Variants that disrupt the consensus splice site are a relatively common cause of aberrant splicing (PMID: 17576681, 9536098). Algorithms developed to predict the effect of sequence changes on RNA splicing suggest that this variant is not likely to affect RNA splicing. In summary, the available evidence is currently insufficient to determine the role of this variant in disease. Therefore, it has been classified as a Variant of Uncertain Significance.

Literature cited by the submitters: PubMed 17576681 (cited by Labcorp Genetics (formerly Invitae), Labcorp); PubMed 9536098 (cited by Labcorp Genetics (formerly Invitae), Labcorp).